The following is an entry in ClinVar:

ClinVar aggregate classification (germline): Uncertain significance. Review status: criteria provided, multiple submitters, no conflicts (2 of 4 stars). 3 submissions from 3 submitters: Uncertain significance (3). Last evaluated 2026-01-21.

Conditions:
Cardiovascular phenotype. Identifiers: MedGen CN230736.
Myofibrillar myopathy 5. Also called: Filaminopathy (type); FILAMINOPATHY, AUTOSOMAL DOMINANT. Identifiers: Orphanet 171445, MedGen C1836050, MONDO:0012289, OMIM 609524.
Distal myopathy with posterior leg and anterior hand involvement. Also called: WILLIAMS DISTAL MYOPATHY. Identifiers: Orphanet 63273, MedGen C3279722, MONDO:0013550, OMIM 614065.
Hypertrophic cardiomyopathy 26. Also called: Cardiomyopathy, familial hypertrophic, 26. Identifiers: Orphanet 75249, MedGen C4310749, MONDO:0014883, OMIM 617047.
Cardiomyopathy (CMYO). Also called: Cardiomyopathies. Identifiers: Orphanet 167848, MedGen C0878544, MONDO:0004994, HP:0001638. Inheritance: Various modes of inheritance.

Submissions (3):

Labcorp Genetics (formerly Invitae), Labcorp
Classification: Uncertain significance for Distal myopathy with posterior leg and anterior hand involvement; Myofibrillar myopathy 5; Hypertrophic cardiomyopathy 26. Last evaluated: 2026-01-21. Review status: criteria provided, single submitter. Criteria: Invitae Variant Classification Sherloc (09022015). Collection method: clinical testing. Allele origin: germline.
Comment: This sequence change replaces serine, which is neutral and polar, with asparagine, which is neutral and polar, at codon 101 of the FLNC protein (p.Ser101Asn). Information on the frequency of this variant in the gnomAD database is not available, as this variant may be reported differently in the database. This missense change has been observed in individual(s) with dilated cardiomyopathy (internal data). ClinVar contains an entry for this variant (Variation ID: 1501088). An algorithm developed to predict the effect of missense changes on protein structure and function (PolyPhen-2) suggests that this variant is likely to be tolerated. In summary, the available evidence is currently insufficient to determine the role of this variant in disease. Therefore, it has been classified as a Variant of Uncertain Significance.

CHEO Genetics Diagnostic Laboratory, Children's Hospital of Eastern Ontario
Classification: Uncertain significance for Cardiomyopathy. Last evaluated: 2021-09-21. Review status: criteria provided, single submitter. Criteria: ACMG Guidelines, 2015. Collection method: clinical testing. Allele origin: germline.

Ambry Genetics
Classification: Uncertain significance for Cardiovascular phenotype. Last evaluated: 2021-03-23. Review status: criteria provided, single submitter. Criteria: Ambry Variant Classification Scheme 2023. Collection method: clinical testing. Allele origin: germline.
Comment: The c.301_302delTCinsAA variant (also known as p.S101N), located in coding exon 1 of the FLNC gene, results from an in-frame deletion of TC and insertion of AA at nucleotide positions 301 to 302. This results in the substitution of the serine residue for an asparagine residue at codon 101, an amino acid with highly similar properties. This amino acid position is highly conserved in available vertebrate species. In addition, this alteration is predicted to be neutral by in silico analysis (Choi Y et al. PLoS ONE. 2012; 7(10):e46688). Since supporting evidence is limited at this time, the clinical significance of this alteration remains unclear.

NM_001458.5(FLNC):c.301_302delinsAA (p.Ser101Asn)

Gene: FLNC (filamin C; plus strand). Cytogenetic location: 7q32.1.
Variant type: Indel.
Coding change: c.301_302delinsAA on transcript NM_001458.5 (MANE Select); coding-DNA positions 301 to 302, TC replaced by AA.
Protein change: p.Ser101Asn; replaces serine 101 with asparagine.
Molecular consequence: missense variant.
Genome position (GRCh38, 1-based): chr7:128,830,938-128,830,939, TC replaced by AA. VCF-style: chr7-128830938-TC-AA. GRCh37 (hg19) VCF-style: chr7-128470992-TC-AA.
Other names: c.301_302delinsAA, p.Ser101Asn (NM_001127487.2); c.301_302delTCinsAA (NM_001458.4); c.301_302delinsAA (NM_001458.4); short protein forms S101N.
Identifiers: ClinVar variation 1501088 (VCV001501088.12), dbSNP rs2128932233, ClinGen allele CA2573141746.